The following is an entry in ClinVar:

NM_000119.2(EPB42):c.929G>A (p.Arg310Gln)

Gene: EPB42 (erythrocyte membrane protein band 4.2; minus strand). Cytogenetic location: 15q15.2.
Variant type: single nucleotide variant.
Coding change: c.929G>A on transcript NM_000119.2; coding-DNA position 929, G replaced by A.
Protein change: p.Arg310Gln; replaces arginine 310 with glutamine.
Molecular consequence: missense variant (on NM_001114134.2).
Genome position (GRCh38, 1-based): chr15:43,208,769, C>T on the plus strand (G>A on the coding strand, the complement: EPB42 is on the minus strand). VCF-style: chr15-43208769-C-T. GRCh37 (hg19) VCF-style: chr15-43500967-C-T.
Other names: 4.2 Tozeur; c.929G>A, p.Arg310Gln (NM_000119.3); c.839G>A, p.Arg280Gln (NM_001114134.2); short protein forms R310Q, R280Q.
Identifiers: ClinVar variation 13235 (VCV000013235.6), dbSNP rs121917734, ClinGen allele CA341255.

ClinVar aggregate classification (germline): Likely pathogenic. Review status: criteria provided, multiple submitters, no conflicts (2 of 4 stars). 4 submissions from 4 submitters: Likely pathogenic (2). 2 of the submissions do not count toward it. Last evaluated 2026-03-05.

Conditions:
Hereditary spherocytosis type 5. Also called: EPB42-Related Hereditary Spherocytosis; EPB42-Related Spherocytosis. Identifiers: Orphanet 822, MedGen C2675192, MONDO:0012985, OMIM 612690.

Allele frequency attached by ClinVar (database versions not stated): gnomAD exomes below 0.00001; TOPMed 0.00002.
gnomAD v4.1: 4 of 1,613,998 alleles (0.00025%); highest among the groups gnomAD compares: South Asian, 0.0011%; no homozygotes.

Submissions (4):

Women's Health and Genetics/Laboratory Corporation of America, LabCorp
Classification: Likely pathogenic for Hereditary spherocytosis type 5. Last evaluated: 2026-03-05. Review status: criteria provided, single submitter. Criteria: LabCorp Variant Classification Summary - May 2015. Collection method: clinical testing. Allele origin: germline.
Comment: Variant summary: EPB42 c.929G>A (p.Arg310Gln) results in a conservative amino acid change in the encoded protein sequence. Algorithms developed to predict the effect of missense changes on protein structure and function are either unavailable or do not agree on the potential impact of this missense change. The variant allele was found at a frequency of 4e-06 in 250296 control chromosomes (gnomAD). c.929G>A has been observed in individuals affected with Hereditary spherocytosis (Hayette_1995, Delaunay_1995). These data indicate that the variant is likely to be associated with disease. To our knowledge, no experimental evidence demonstrating an impact on protein function has been reported. The following publications have been ascertained in the context of this evaluation (PMID: 8542017, 7772513). ClinVar contains an entry for this variant (Variation ID: 13235). Based on the evidence outlined above, the variant was classified as likely pathogenic.

Revvity Omics, Revvity
Classification: Likely pathogenic for Hereditary spherocytosis type 5. Last evaluated: 2023-04-27. Review status: criteria provided, single submitter. Criteria: ACMG Guidelines, 2015. Collection method: clinical testing. Allele origin: germline.

OMIM
Classification: Pathogenic for SPHEROCYTOSIS, TYPE 5, DUE TO PROTEIN 4.2-TOZEUR. Last evaluated: 1995-04-01. Review status: no assertion criteria provided. Collection method: literature only. Allele origin: germline. Not counted in ClinVar's aggregate classification.

GeneReviews
No classification provided. Condition: Hereditary spherocytosis type 5. Review status: no classification provided. Collection method: literature only. Allele origin: germline. Affected: yes. Not counted in ClinVar's aggregate classification.

Literature cited by the submitters: PubMed 8542017 (cited by Women's Health and Genetics/Laboratory Corporation of America, LabCorp); PubMed 7772513 (cited by Women's Health and Genetics/Laboratory Corporation of America, LabCorp and OMIM); PubMed 2386772 (cited by OMIM); NCBI Bookshelf NBK190102 (cited by GeneReviews).